The following is an entry in ClinVar:

ClinVar aggregate classification (germline): Uncertain significance. Review status: criteria provided, multiple submitters, no conflicts (2 of 4 stars). 2 submissions from 2 submitters: Uncertain significance (2). Last evaluated 2024-09-10.

Conditions:
Hereditary cancer-predisposing syndrome. Also called: Neoplastic Syndromes, Hereditary; Hereditary Cancer Syndrome; Hereditary neoplastic syndrome; Tumor predisposition. Identifiers: Orphanet 140162, MedGen C0027672, MeSH D009386, MONDO:0015356.
Fanconi anemia complementation group J. Also called: BRIP1-Related Fanconi Anemia. Identifiers: Orphanet 84, MedGen C1836860, MONDO:0012187, OMIM 609054.
Familial cancer of breast. Also called: hereditary breast carcinoma; BREAST CANCER, FAMILIAL; Hereditary breast cancer. Identifiers: Orphanet 227535, MedGen C0346153, MONDO:0016419, OMIM 114480. Disease mechanism: loss of function.

Submissions (2):

Ambry Genetics
Classification: Uncertain significance for Hereditary cancer-predisposing syndrome. Last evaluated: 2024-09-10. Review status: criteria provided, single submitter. Criteria: Ambry Variant Classification Scheme 2023. Collection method: clinical testing. Allele origin: germline.
Comment: The p.R173S variant (also known as c.517C>A), located in coding exon 5 of the BRIP1 gene, results from a C to A substitution at nucleotide position 517. The arginine at codon 173 is replaced by serine, an amino acid with dissimilar properties. This amino acid position is highly conserved in available vertebrate species. In addition, the in silico prediction for this alteration is inconclusive. Based on the available evidence, the clinical significance of this variant remains unclear.

Labcorp Genetics (formerly Invitae), Labcorp
Classification: Uncertain significance for Familial cancer of breast; Fanconi anemia complementation group J. Last evaluated: 2024-08-29. Review status: criteria provided, single submitter. Criteria: Invitae Variant Classification Sherloc (09022015). Collection method: clinical testing. Allele origin: germline.
Comment: This sequence change replaces arginine, which is basic and polar, with serine, which is neutral and polar, at codon 173 of the BRIP1 protein (p.Arg173Ser). This variant is not present in population databases (gnomAD no frequency). This missense change has been observed in individual(s) with breast cancer (PMID: 26921362). ClinVar contains an entry for this variant (Variation ID: 825510). Invitae Evidence Modeling of protein sequence and biophysical properties (such as structural, functional, and spatial information, amino acid conservation, physicochemical variation, residue mobility, and thermodynamic stability) indicates that this missense variant is not expected to disrupt BRIP1 protein function with a negative predictive value of 80%. In summary, the available evidence is currently insufficient to determine the role of this variant in disease. Therefore, it has been classified as a Variant of Uncertain Significance.

Literature cited by the submitters: PubMed 26921362 (cited by Labcorp Genetics (formerly Invitae), Labcorp).

NM_032043.3(BRIP1):c.517C>A (p.Arg173Ser)

Gene: BRIP1 (BRCA1 interacting DNA helicase 1; minus strand). Cytogenetic location: 17q23.2.
Variant type: single nucleotide variant.
Coding change: c.517C>A on transcript NM_032043.3 (MANE Select); coding-DNA position 517, C replaced by A.
Protein change: p.Arg173Ser; replaces arginine 173 with serine.
Molecular consequence: missense variant.
Genome position (GRCh38, 1-based): chr17:61,847,211, G>T on the plus strand (C>A on the coding strand, the complement: BRIP1 is on the minus strand). VCF-style: chr17-61847211-G-T. GRCh37 (hg19) VCF-style: chr17-59924572-G-T.
Other names: short protein forms R173S.
Identifiers: ClinVar variation 825510 (VCV000825510.7), dbSNP rs4988345, ClinGen allele CA400483405.